The following is an entry in ClinVar:

NM_152383.5(DIS3L2):c.1849A>G (p.Met617Val)

Gene: DIS3L2 (DIS3 like 3'-5' exoribonuclease 2; plus strand). Cytogenetic location: 2q37.1.
Variant type: single nucleotide variant.
Coding change: c.1849A>G on transcript NM_152383.5 (MANE Select); coding-DNA position 1849, A replaced by G.
Protein change: p.Met617Val; replaces methionine 617 with valine.
Molecular consequence: missense variant. On other transcripts: non-coding transcript variant (2), intron variant (1).
Genome position (GRCh38, 1-based): chr2:232,329,922, A>G. VCF-style: chr2-232329922-A-G. GRCh37 (hg19) VCF-style: chr2-233194632-A-G.
Other names: c.1582-13423A>G (NM_001257281.2); short protein forms M617V.
Identifiers: ClinVar variation 968674 (VCV000968674.8), dbSNP rs1695686354, ClinGen allele CA350976146.

ClinVar aggregate classification (germline): Uncertain significance (1 of 4 stars; one submission).

Conditions:
Perlman syndrome (PRLMNS). Identifiers: Orphanet 2849, MedGen C0796113, MONDO:0009965, OMIM 267000.

Allele frequency attached by ClinVar (database versions not stated): gnomAD exomes below 0.00001.
gnomAD v4.1: 4 of 1,613,064 alleles (0.00025%); highest among the groups gnomAD compares: Non-Finnish European, 0.00034%; no homozygotes.

Submission:

Labcorp Genetics (formerly Invitae), Labcorp
Classification: Uncertain significance for Perlman syndrome. Last evaluated: 2023-01-06. Review status: criteria provided, single submitter. Criteria: Invitae Variant Classification Sherloc (09022015). Collection method: clinical testing. Allele origin: germline.
Comment: In summary, the available evidence is currently insufficient to determine the role of this variant in disease. Therefore, it has been classified as a Variant of Uncertain Significance. Advanced modeling of protein sequence and biophysical properties (such as structural, functional, and spatial information, amino acid conservation, physicochemical variation, residue mobility, and thermodynamic stability) performed at Invitae indicates that this missense variant is not expected to disrupt DIS3L2 protein function. ClinVar contains an entry for this variant (Variation ID: 968674). This variant has not been reported in the literature in individuals affected with DIS3L2-related conditions. This variant is not present in population databases (gnomAD no frequency). This sequence change replaces methionine, which is neutral and non-polar, with valine, which is neutral and non-polar, at codon 617 of the DIS3L2 protein (p.Met617Val).